The following is an entry in ClinVar:

ClinVar aggregate classification (germline): Benign. Review status: criteria provided, multiple submitters, no conflicts (2 of 4 stars). 6 submissions from 6 submitters: Benign (6). Last evaluated 2026-02-02.

Conditions:
Cranioectodermal dysplasia 1 (CED1). Also called: LEVIN SYNDROME I. Identifiers: Orphanet 1515, MedGen C0432235, MONDO:0021093, OMIM 218330.

Allele frequency attached by ClinVar (database versions not stated): gnomAD exomes 0.10731 and 0.11560; ExAC 0.12156; gnomAD 0.12634 and 0.12862; TOPMed 0.13460; ESP Exome Variant Server 0.13694; 1000 Genomes Project 0.16653; 1000 Genomes Project 30x 0.16974.
gnomAD v4.1: 177,153 of 1,612,952 alleles (11%); highest among the groups gnomAD compares: South Asian, 25%; 11,848 homozygotes.

Submissions (6):

Labcorp Genetics (formerly Invitae), Labcorp
Classification: Benign for Cranioectodermal dysplasia 1. Last evaluated: 2026-02-02. Review status: criteria provided, single submitter. Criteria: Invitae Variant Classification Sherloc (09022015). Collection method: clinical testing. Allele origin: germline.

Blueprint Genetics
Classification: Benign. Last evaluated: 2024-11-26. Review status: criteria provided, single submitter. Criteria: ACMG Guidelines, 2015. Collection method: clinical testing. Allele origin: germline.

Genome-Nilou Lab
Classification: Benign for Cranioectodermal dysplasia 1. Last evaluated: 2021-08-10. Review status: criteria provided, single submitter. Criteria: ACMG Guidelines, 2015. Collection method: clinical testing. Allele origin: germline. Affected: no.

GeneDx
Classification: Benign. Last evaluated: 2017-09-13. Review status: criteria provided, single submitter. Criteria: GeneDx Variant Classification (06012015). Collection method: clinical testing. Allele origin: germline. Affected: yes.
Comment: This variant is considered likely benign or benign based on one or more of the following criteria: it is a conservative change, it occurs at a poorly conserved position in the protein, it is predicted to be benign by multiple in silico algorithms, and/or has population frequency not consistent with disease.

Breakthrough Genomics
Classification: Benign. Review status: criteria provided, single submitter. Criteria: ACMG Guidelines, 2015. Collection method: not provided. Allele origin: germline. Inheritance: Autosomal recessive inheritance. Affected: yes.

PreventionGenetics, part of Exact Sciences
Classification: Benign. Review status: criteria provided, single submitter. Criteria: ACMG Guidelines, 2015. Collection method: clinical testing. Allele origin: germline.

NM_052989.3(IFT122):c.1654-12C>T

Gene: IFT122 (intraflagellar transport 122; plus strand). Cytogenetic location: 3q21.3.
Variant type: single nucleotide variant.
Coding change: c.1654-12C>T on transcript NM_052989.3 (MANE Select); 12 bases into the intron before coding-DNA position 1654, C replaced by T.
Molecular consequence: intron variant.
Genome position (GRCh38, 1-based): chr3:129,483,473, C>T. VCF-style: chr3-129483473-C-T. GRCh37 (hg19) VCF-style: chr3-129202316-C-T.
Other names: c.1204-12C>T (NM_001280545.2); c.1807-12C>T (NM_052985.4); c.1630-12C>T (NM_001280541.2); c.1477-12C>T (NM_018262.4); c.1027-12C>T (NM_001280546.2); c.1321-12C>T (NM_052990.3).
Identifiers: ClinVar variation 262268 (VCV000262268.17), dbSNP rs112066509, ClinGen allele CA2606257.